The following is an entry in ClinVar:

ClinVar aggregate classification (germline): Uncertain significance. Review status: criteria provided, multiple submitters, no conflicts (2 of 4 stars). 3 submissions from 3 submitters: Uncertain significance (3). Last evaluated 2022-11-02.

Allele frequency attached by ClinVar (database versions not stated): gnomAD exomes 0.00003 and 0.00006; gnomAD 0.00006; ExAC 0.00019.

Submissions (3):

GeneDx
Classification: Uncertain significance. Last evaluated: 2022-11-02. Review status: criteria provided, single submitter. Criteria: GeneDx Variant Classification Process June 2021. Collection method: clinical testing. Allele origin: germline. Affected: yes.
Comment: In silico analysis supports that this missense variant does not alter protein structure/function; Has not been previously published as pathogenic or benign to our knowledge

Blueprint Genetics
Classification: Uncertain significance. Last evaluated: 2022-08-18. Review status: criteria provided, single submitter. Criteria: ACMG Guidelines, 2015. Collection method: clinical testing. Allele origin: germline.

Women's Health and Genetics/Laboratory Corporation of America, LabCorp
Classification: Uncertain significance. Last evaluated: 2022-05-18. Review status: criteria provided, single submitter. Criteria: LabCorp Variant Classification Summary - May 2015. Collection method: clinical testing. Allele origin: germline.
Comment: Variant summary: COL4A3 c.16G>T (p.Ala6Ser) results in a conservative amino acid change in the encoded protein sequence. Five of five in-silico tools predict a benign effect of the variant on protein function. The variant allele was found at a frequency of 3.2e-05 in 123232 control chromosomes. The available data on variant occurrences in the general population are insufficient to allow any conclusion about variant significance. To our knowledge, no occurrence of c.16G>T in individuals affected with Alport Syndrome, Autosomal Recessive and no experimental evidence demonstrating its impact on protein function have been reported. No clinical diagnostic laboratories have submitted clinical-significance assessments for this variant to ClinVar after 2014. Based on the evidence outlined above, the variant was classified as uncertain significance.

NM_000091.5(COL4A3):c.16G>T (p.Ala6Ser)

Genes: COL4A3 (collagen type IV alpha 3 chain; plus strand), LOC129935730 (ATAC-STARR-seq lymphoblastoid silent region 12397; plus strand). Cytogenetic location: 2q36.3.
Variant type: single nucleotide variant.
Coding change: c.16G>T on transcript NM_000091.5 (MANE Select); coding-DNA position 16, G replaced by T.
Protein change: p.Ala6Ser; replaces alanine 6 with serine.
Molecular consequence: missense variant.
Genome position (GRCh38, 1-based): chr2:227,164,742, G>T. VCF-style: chr2-227164742-G-T. GRCh37 (hg19) VCF-style: chr2-228029458-G-T.
Other names: short protein forms A6S.
Identifiers: ClinVar variation 1696080 (VCV001696080.3), dbSNP rs770024296, ClinGen allele CA2145884.